The following is an entry in ClinVar:

NM_001005242.3(PKP2):c.190dup (p.Leu64fs)

Gene: PKP2 (plakophilin 2; minus strand). Cytogenetic location: 12p11.21.
Variant type: Duplication.
Coding change: c.190dup on transcript NM_001005242.3 (MANE Select); coding-DNA position 190, one base duplicated (C; older notation c.190dupC).
Protein change: p.Leu64fs; shifts the reading frame from leucine 64.
Molecular consequence: frameshift variant.
Genome position (GRCh38, 1-based): chr12:32,896,542, G duplicated on the plus strand (C on the coding strand, the reverse complement: PKP2 is on the minus strand); the first of 3 consecutive G bases (chr12:32,896,542-32,896,544); duplicating any one gives the same sequence. VCF-style (leftmost placement, unchanged base first): chr12-32896541-A-AG. GRCh37 (hg19) VCF-style: chr12-33049475-A-AG.
Other names: c.190dup, p.Leu64fs (NM_004572.4); c.190dupC (NM_004572.3); short protein forms L64fs.
Identifiers: ClinVar variation 452449 (VCV000452449.12), dbSNP rs762288961, ClinGen allele CA6508312.
Genomic context (GRCh38, chr12:32,896,541, plus strand): 5'-GCGCCGGGGAGCGGCGGGCTCCACTCACCGTTGCCCACGGAGCTGCGGCCCTTCCGGGCG[A>AG]GGGTCTGCTGCACCTGCTCCTGGATCCGCAGGCTCTTGACTGTCTGGCCGCCGCGGCCGC-3'

ClinVar aggregate classification (germline): Pathogenic/Likely pathogenic. Review status: criteria provided, multiple submitters, no conflicts (2 of 4 stars). 4 submissions from 4 submitters: Pathogenic (3); Likely pathogenic (1). Last evaluated 2025-12-20.

Conditions:
Cardiovascular phenotype. Identifiers: MedGen CN230736.
Cardiomyopathy (CMYO). Also called: Cardiomyopathies. Identifiers: Orphanet 167848, MedGen C0878544, MONDO:0004994, HP:0001638. Inheritance: Various modes of inheritance.
Arrhythmogenic right ventricular dysplasia 9 (ARVD9). Also called: Arrhythmogenic Right Ventricular Dysplasia/Cardiomyopathy 9; ARRHYTHMOGENIC RIGHT VENTRICULAR DYSPLASIA, FAMILIAL, 9. Identifiers: MedGen C1836906, MONDO:0012180, OMIM 609040.

Submissions (4):

Labcorp Genetics (formerly Invitae), Labcorp
Classification: Pathogenic for Arrhythmogenic right ventricular dysplasia 9. Last evaluated: 2025-12-20. Review status: criteria provided, single submitter. Criteria: Invitae Variant Classification Sherloc (09022015). Collection method: clinical testing. Allele origin: germline.
Comment: This sequence change creates a premature translational stop signal (p.Leu64Profs*22) in the PKP2 gene. It is expected to result in an absent or disrupted protein product. Loss-of-function variants in PKP2 are known to be pathogenic (PMID: 15489853, 17041889, 23911551). The frequency data for this variant in the population databases is considered unreliable, as metrics indicate poor data quality at this position in the gnomAD database. This premature translational stop signal has been observed in individual(s) with arrhythmogenic right ventricular cardiomyopathy (PMID: 22019812). ClinVar contains an entry for this variant (Variation ID: 452449). For these reasons, this variant has been classified as Pathogenic.

Color Diagnostics, LLC DBA Color Health
Classification: Pathogenic for Cardiomyopathy. Last evaluated: 2025-09-08. Review status: criteria provided, single submitter. Criteria: ACMG Guidelines, 2015. Collection method: clinical testing. Allele origin: germline.
Comment: This variant inserts 1 nucleotide in exon 1 of the PKP2 gene, creating a frameshift and premature translation stop signal. This variant is also known as c.187_188insC in the literature. This variant is expected to result in an absent or non-functional protein product. This variant has been reported in an individual affected with arrhythmogenic right ventricular cardiomyopathy (PMID: 22019812). This variant has been identified in 1/206314 chromosomes in the general population by the Genome Aggregation Database (gnomAD). Loss of PKP2 function is a known mechanism of disease. Based on the available evidence, this variant is classified as Pathogenic.

Ambry Genetics
Classification: Pathogenic for Cardiovascular phenotype. Last evaluated: 2024-06-24. Review status: criteria provided, single submitter. Criteria: Ambry Variant Classification Scheme 2023. Collection method: clinical testing. Allele origin: germline.
Comment: The c.190dupC pathogenic mutation, located in coding exon 1 of the PKP2 gene, results from a duplication of C at nucleotide position 190, causing a translational frameshift with a predicted alternate stop codon (p.L64Pfs*22). This alteration has been reported in an individual with arrhythmogenic right ventricular cardiomyopathy; however, clinical details were limited (Zhang M et al. Circ. J., 2012 Oct;76:189-94). In addition to the clinical data presented in the literature, this alteration is expected to result in loss of function by premature protein truncation or nonsense-mediated mRNA decay. As such, this alteration is interpreted as a disease-causing mutation.

GeneDx
Classification: Likely pathogenic. Last evaluated: 2022-05-23. Review status: criteria provided, single submitter. Criteria: GeneDx Variant Classification Process June 2021. Collection method: clinical testing. Allele origin: germline. Affected: yes.
Comment: Frameshift variant predicted to result in protein truncation or nonsense mediated decay in a gene for which loss of function is a known mechanism of disease; Not observed at significant frequency in large population cohorts (gnomAD); Reported in one individual with an ARVC diagnosis, though clinical characteristics constituting an ARVC diagnosis in this study were not specifically described (Zhang et al., 2012); This variant is associated with the following publications: (PMID: 31402444, 22019812)

Literature cited by the submitters: PubMed 15489853 (cited by Labcorp Genetics (formerly Invitae), Labcorp); PubMed 17041889 (cited by Labcorp Genetics (formerly Invitae), Labcorp); PubMed 23911551 (cited by Labcorp Genetics (formerly Invitae), Labcorp); PubMed 22019812 (cited by 3 submitters).